The following is an entry in ClinVar:

NM_000059.4(BRCA2):c.4464C>A (p.His1488Gln)

Gene: BRCA2 (BRCA2 DNA repair associated; plus strand). Cytogenetic location: 13q13.1.
Variant type: single nucleotide variant.
Coding change: c.4464C>A on transcript NM_000059.4 (MANE Select); coding-DNA position 4464, C replaced by A.
Protein change: p.His1488Gln; replaces histidine 1488 with glutamine.
Molecular consequence: missense variant.
Genome position (GRCh38, 1-based): chr13:32,338,819, C>A. VCF-style: chr13-32338819-C-A. GRCh37 (hg19) VCF-style: chr13-32912956-C-A.
Other names: short protein forms H1488Q.
Identifiers: ClinVar variation 187450 (VCV000187450.20), dbSNP rs786203743, ClinGen allele CA020215.

ClinVar aggregate classification (germline): Conflicting classifications of pathogenicity. Review status: criteria provided, conflicting classifications (1 of 4 stars). 7 submissions from 7 submitters: Uncertain significance (6); Likely benign (1). Last evaluated 2025-03-19.

Conditions:
Hereditary cancer-predisposing syndrome. Also called: Neoplastic Syndromes, Hereditary; Tumor predisposition; Hereditary Cancer Syndrome; Hereditary neoplastic syndrome. Identifiers: Orphanet 140162, MedGen C0027672, MeSH D009386, MONDO:0015356.
BRCA2-related disorder. Also called: BRCA2-related condition; BRCA2-related disorders. Identifiers: MedGen CN239275.
Hereditary breast ovarian cancer syndrome. Also called: Hereditary breast and ovarian cancer; Hereditary breast and/or ovarian cancer syndrome; BRCA1- and BRCA2-Associated Hereditary Breast and Ovarian Cancer; Hereditary breast and ovarian cancer syndrome (HBOC); Hereditary breast and ovarian cancer syndrome; Breast and ovarian cancer. Identifiers: Orphanet 145, MedGen C0677776, MeSH D061325, MONDO:0003582. Disease mechanism: loss of function.

Allele frequency attached by ClinVar (database versions not stated): gnomAD exomes below 0.00001.
gnomAD v4.1: 1 of 1,613,624 alleles (0.000062%); highest among the groups gnomAD compares: Non-Finnish European, 0.000085%; no homozygotes.

Submissions (7):

Ambry Genetics
Classification: Uncertain significance for Hereditary cancer-predisposing syndrome. Last evaluated: 2025-03-19. Review status: criteria provided, single submitter. Criteria: Ambry Variant Classification Scheme 2023. Collection method: clinical testing. Allele origin: germline.
Comment: The p.H1488Q variant (also known as c.4464C>A), located in coding exon 10 of the BRCA2 gene, results from a C to A substitution at nucleotide position 4464. The histidine at codon 1488 is replaced by glutamine, an amino acid with highly similar properties. This amino acid position is poorly conserved in available vertebrate species. In addition, this alteration is predicted to be tolerated by in silico analysis. Since supporting evidence is limited at this time, the clinical significance of this alteration remains unclear.

Labcorp Genetics (formerly Invitae), Labcorp
Classification: Uncertain significance for Hereditary breast ovarian cancer syndrome. Last evaluated: 2024-09-16. Review status: criteria provided, single submitter. Criteria: Invitae Variant Classification Sherloc (09022015). Collection method: clinical testing. Allele origin: germline.
Comment: This sequence change replaces histidine, which is basic and polar, with glutamine, which is neutral and polar, at codon 1488 of the BRCA2 protein (p.His1488Gln). This variant is not present in population databases (gnomAD no frequency). This missense change has been observed in individual(s) with clinical features of BRCA2-related conditions (internal data). ClinVar contains an entry for this variant (Variation ID: 187450). Invitae Evidence Modeling of protein sequence and biophysical properties (such as structural, functional, and spatial information, amino acid conservation, physicochemical variation, residue mobility, and thermodynamic stability) indicates that this missense variant is not expected to disrupt BRCA2 protein function with a negative predictive value of 95%. In summary, the available evidence is currently insufficient to determine the role of this variant in disease. Therefore, it has been classified as a Variant of Uncertain Significance.

Quest Diagnostics Nichols Institute San Juan Capistrano
Classification: Uncertain significance. Last evaluated: 2024-08-14. Review status: criteria provided, single submitter. Criteria: Quest Diagnostics criteria. Collection method: clinical testing. Allele origin: unknown.
Comment: The BRCA2 c.4464C>A (p.His1488Gln) variant has been reported in the published literature in individuals with cardiac angiosarcoma (PMID: 31510873 (2019)) and individuals with personal or family history of an unspecified cancer (PMID: 31853058 (2020)). This variant has been described to be located in a region of the BRCA2 gene that is tolerant to missense sequence changes (PMID: 31911673 (2020)). This variant has not been reported in large, multi-ethnic general populations (Genome Aggregation Database). Analysis of this variant using bioinformatics tools for the prediction of the effect of amino acid changes on protein structure and function yielded predictions that this variant is benign. Based on the available information, we are unable to determine the clinical significance of this variant.

Women's Health and Genetics/Laboratory Corporation of America, LabCorp
Classification: Uncertain significance. Last evaluated: 2023-10-09. Review status: criteria provided, single submitter. Criteria: LabCorp Variant Classification Summary - May 2015. Collection method: clinical testing. Allele origin: germline.
Comment: Variant summary: BRCA2 c.4464C>A (p.His1488Gln) results in a non-conservative amino acid change in the encoded protein sequence. Four of five in-silico tools predict a benign effect of the variant on protein function. The variant was absent in 250492 control chromosomes (gnomAD). The available data on variant occurrences in the general population are insufficient to allow any conclusion about variant significance. To our knowledge, no occurrence of c.4464C>A in individuals affected with Hereditary Breast And Ovarian Cancer Syndrome and no experimental evidence demonstrating its impact on protein function have been reported. Five submitters have cited clinical-significance assessments for this variant to ClinVar after 2014 and classified this variant as uncertain significance (n=4) and likely benign (n=1). Based on the evidence outlined above, the variant was classified as uncertain significance.

GeneDx
Classification: Uncertain significance. Last evaluated: 2023-05-26. Review status: criteria provided, single submitter. Criteria: GeneDx Variant Classification Process June 2021. Collection method: clinical testing. Allele origin: germline. Affected: yes.
Comment: Not observed at significant frequency in large population cohorts (gnomAD); In silico analysis supports that this missense variant does not alter protein structure/function; Observed in an individual with unspecified personal and/or family history of cancer undergoing multi-gene panel testing (Li et al., 2020); This variant is associated with the following publications: (PMID: 31853058, 32377563, 29884841, 31911673)

PreventionGenetics, part of Exact Sciences
Classification: Uncertain significance for BRCA2-related condition. Last evaluated: 2023-05-25. Review status: criteria provided, single submitter. Criteria: ACMG Guidelines, 2015. Collection method: clinical testing. Allele origin: germline.
Comment: The BRCA2 c.4464C>A variant is predicted to result in the amino acid substitution p.His1488Gln. To our knowledge, this variant has not been reported in the literature or in a large population database, indicating this variant is rare. It has conflicting interpretations of likely benign and uncertain significance in ClinVar. This variant occurs within a region of the BRCA2 gene that is predicted to be tolerant to variation (Table 2, Dines et al. 2020. PubMed ID: 31911673). At this time, the clinical significance of this variant is uncertain due to the absence of conclusive functional and genetic evidence.

University of Washington Department of Laboratory Medicine, University of Washington
Classification: Likely benign for Hereditary cancer-predisposing syndrome. Last evaluated: 2023-03-23. Review status: criteria provided, single submitter. Criteria: Dines et al. (Genet Med. 2020). Collection method: curation. Allele origin: germline.
Comment: Missense variant in a coldspot region where missense variants are very unlikely to be pathogenic (PMID:31911673).

BRCA2 exon 11 coldspot. Reclassification based on statistical prior probability.

Literature cited by the submitters: PubMed 29884841 (cited by Ambry Genetics); PubMed 31510873 (cited by Quest Diagnostics Nichols Institute San Juan Capistrano); PubMed 31911673 (cited by Quest Diagnostics Nichols Institute San Juan Capistrano); PubMed 31853058 (cited by Quest Diagnostics Nichols Institute San Juan Capistrano).